The following is an entry in ClinVar:

ClinVar aggregate classification (germline): Uncertain significance. Review status: criteria provided, multiple submitters, no conflicts (2 of 4 stars). 2 submissions from 2 submitters: Uncertain significance (2). Last evaluated 2024-08-21.

Conditions:
Inborn genetic diseases. Identifiers: MedGen C0950123, MeSH D030342.

Allele frequency attached by ClinVar (database versions not stated): gnomAD exomes below 0.00001.
gnomAD v4.1: 5 of 1,614,144 alleles (0.00031%); highest among the groups gnomAD compares: Non-Finnish European, 0.00042%; no homozygotes.

Submissions (2):

Women's Health and Genetics/Laboratory Corporation of America, LabCorp
Classification: Uncertain significance. Last evaluated: 2024-08-21. Review status: criteria provided, single submitter. Criteria: LabCorp Variant Classification Summary - May 2015. Collection method: clinical testing. Allele origin: germline.
Comment: Variant summary: COL17A1 c.4003G>T (p.Gly1335Cys) results in a non-conservative amino acid change in the encoded protein sequence. Five of five in-silico tools predict a damaging effect of the variant on protein function. The variant was absent in 251016 control chromosomes. The available data on variant occurrences in the general population are insufficient to allow any conclusion about variant significance. To our knowledge, no occurrence of c.4003G>T in individuals affected with Junctional Epidermolysis Bullosa and no experimental evidence demonstrating its impact on protein function have been reported. ClinVar contains an entry for this variant (Variation ID: 3147306). Based on the evidence outlined above, the variant was classified as uncertain significance.

Ambry Genetics
Classification: Uncertain significance for Inborn genetic diseases. Last evaluated: 2023-09-18. Review status: criteria provided, single submitter. Criteria: Ambry Variant Classification Scheme 2023. Collection method: clinical testing. Allele origin: germline.

NM_000494.4(COL17A1):c.4003G>T (p.Gly1335Cys)

Gene: COL17A1 (collagen type XVII alpha 1 chain; minus strand). Cytogenetic location: 10q25.1.
Variant type: single nucleotide variant.
Coding change: c.4003G>T on transcript NM_000494.4 (MANE Select); coding-DNA position 4003, G replaced by T.
Protein change: p.Gly1335Cys; replaces glycine 1335 with cysteine.
Molecular consequence: missense variant.
Genome position (GRCh38, 1-based): chr10:104,034,098, C>A on the plus strand (G>T on the coding strand, the complement: COL17A1 is on the minus strand). VCF-style: chr10-104034098-C-A. GRCh37 (hg19) VCF-style: chr10-105793856-C-A.
Other names: short protein forms G1335C.
Identifiers: ClinVar variation 3147306 (VCV003147306.2), dbSNP rs2086245016, ClinGen allele CA378065198.